The following is an entry in ClinVar:

NM_000302.4(PLOD1):c.2181C>T (p.Pro727=)

Gene: PLOD1 (procollagen-lysine,2-oxoglutarate 5-dioxygenase 1; plus strand). Cytogenetic location: 1p36.22.
Variant type: single nucleotide variant.
Coding change: c.2181C>T on transcript NM_000302.4 (MANE Select); coding-DNA position 2181, C replaced by T.
Protein change: p.Pro727=; no amino-acid change (proline 727 retained).
Molecular consequence: synonymous variant.
Genome position (GRCh38, 1-based): chr1:11,974,805, C>T. VCF-style: chr1-11974805-C-T. GRCh37 (hg19) VCF-style: chr1-12034862-C-T.
Other names: p.Pro727=; c.2322C>T, p.Pro774= (NM_001316320.2).
Identifiers: ClinVar variation 264177 (VCV000264177.17), dbSNP rs140741046, ClinGen allele CA598696.

ClinVar aggregate classification (germline): Likely benign. Review status: criteria provided, multiple submitters, no conflicts (2 of 4 stars). 3 submissions from 3 submitters: Likely benign (3). Last evaluated 2025-11-17.

Conditions:
Familial thoracic aortic aneurysm and aortic dissection (TAAD). Also called: Thoracic aortic aneurysms and dissections. Identifiers: Orphanet 91387, MedGen C4707243, MONDO:0019625.
Ehlers-Danlos syndrome, kyphoscoliotic type 1 (EDSKSCL1). Also called: EHLERS-DANLOS SYNDROME, OCULAR-SCOLIOTIC TYPE; PLOD1-Related Kyphoscoliotic Ehlers-Danlos Syndrome; EHLERS-DANLOS SYNDROME, TYPE VIA; Ehlers-Danlos syndrome, hydroxylysine-deficient. Identifiers: Orphanet 1900, MedGen C0268342, MONDO:0016002, OMIM 225400. Disease mechanism: loss of function.

Allele frequency attached by ClinVar (database versions not stated): gnomAD exomes 0.00002 and 0.00004; ExAC 0.00005; TOPMed 0.00008; gnomAD 0.00011 and 0.00012; ESP Exome Variant Server 0.00015.
gnomAD v4.1: 26 of 1,614,022 alleles (0.0016%); highest among the groups gnomAD compares: East Asian, 0.022%; 1 homozygote.

Submissions (3):

Labcorp Genetics (formerly Invitae), Labcorp
Classification: Likely benign for Ehlers-Danlos syndrome, kyphoscoliotic type 1. Last evaluated: 2025-11-17. Review status: criteria provided, single submitter. Criteria: Invitae Variant Classification Sherloc (09022015). Collection method: clinical testing. Allele origin: germline.

Mayo Clinic Laboratories, Mayo Clinic
Classification: Likely benign. Last evaluated: 2025-10-02. Review status: criteria provided, single submitter. Criteria: ACMG Guidelines, 2015. Collection method: clinical testing. Allele origin: germline. Observed: 1 variant allele.
Comment: BP4, BP7

Ambry Genetics
Classification: Likely benign for Familial thoracic aortic aneurysm and aortic dissection. Last evaluated: 2015-07-28. Review status: criteria provided, single submitter. Criteria: Ambry Variant Classification Scheme 2023. Collection method: clinical testing. Allele origin: germline.